The following is an entry in ClinVar:

NM_001776.6(ENTPD1):c.1020C>G (p.Tyr340Ter)

Genes: ENTPD1 (ectonucleoside triphosphate diphosphohydrolase 1; plus strand), ENTPD1-AS1 (ENTPD1 antisense RNA 1; minus strand). Cytogenetic location: 10q24.1.
Variant type: single nucleotide variant.
Coding change: c.1020C>G on transcript NM_001776.6 (MANE Select); coding-DNA position 1020, C replaced by G.
Protein change: p.Tyr340Ter; replaces tyrosine 340 with a stop codon.
Molecular consequence: nonsense.
Genome position (GRCh38, 1-based): chr10:95,847,652, C>G. VCF-style: chr10-95847652-C-G. GRCh37 (hg19) VCF-style: chr10-97607409-C-G.
Other names: c.1041C>G, p.Tyr347Ter (NM_001098175.2); c.1056C>G, p.Tyr352Ter (NM_001164178.1, NM_001320916.1); c.897C>G, p.Tyr299Ter (NM_001164179.2); c.696C>G, p.Tyr232Ter (NM_001164181.1, NM_001312654.1); c.606C>G, p.Tyr202Ter (NM_001164182.2, NM_001164183.2); short protein forms Y202*, Y232*, Y352*, Y299*, Y347*, Y340*.
Identifiers: ClinVar variation 2129367 (VCV002129367.4), dbSNP rs149326648, ClinGen allele CA5621516.

ClinVar aggregate classification (germline): Pathogenic (1 of 4 stars; one submission).

Conditions:
Hereditary spastic paraplegia 64. Also called: Spastic paraplegia 64, autosomal recessive; ENTPD1-Related Neurodevelopmental Disorder. Identifiers: Orphanet 401810, MedGen C3810289, MONDO:0014303, OMIM 615683.

Submission:

Labcorp Genetics (formerly Invitae), Labcorp
Classification: Pathogenic for Hereditary spastic paraplegia 64. Last evaluated: 2022-11-29. Review status: criteria provided, single submitter. Criteria: Invitae Variant Classification Sherloc (09022015). Collection method: clinical testing. Allele origin: germline.
Comment: This sequence change creates a premature translational stop signal (p.Tyr340*) in the ENTPD1 gene. It is expected to result in an absent or disrupted protein product. Loss-of-function variants in ENTPD1 are known to be pathogenic (PMID: 24482476, 29691679). This variant is present in population databases (rs149326648, gnomAD 0.0009%). For these reasons, this variant has been classified as Pathogenic. This variant has not been reported in the literature in individuals affected with ENTPD1-related conditions.

Literature cited by the submitters: PubMed 24482476; PubMed 29691679.